The following is an entry in ClinVar:

ClinVar aggregate classification (germline): Conflicting classifications of pathogenicity. Review status: criteria provided, conflicting classifications (1 of 4 stars). 2 submissions from 2 submitters: Uncertain significance (1); Benign (1). Last evaluated 2024-08-10.

Conditions:
Hereditary cancer-predisposing syndrome. Also called: Hereditary neoplastic syndrome; Tumor predisposition; Hereditary Cancer Syndrome; Neoplastic Syndromes, Hereditary. Identifiers: Orphanet 140162, MedGen C0027672, MeSH D009386, MONDO:0015356.
Tuberous sclerosis 2 (TSC2). Identifiers: Orphanet 805, MedGen C1860707, MONDO:0013199, OMIM 613254.

Allele frequency attached by ClinVar (database versions not stated): gnomAD exomes below 0.00001 and 0.00001; ExAC 0.00001; gnomAD 0.00001.

Submissions (2):

Ambry Genetics
Classification: Uncertain significance for Hereditary cancer-predisposing syndrome. Last evaluated: 2024-08-10. Review status: criteria provided, single submitter. Criteria: Ambry Variant Classification Scheme 2023. Collection method: clinical testing. Allele origin: germline.
Comment: The p.M168I variant (also known as c.504G>T), located in coding exon 5 of the TSC2 gene, results from a G to T substitution at nucleotide position 504. The methionine at codon 168 is replaced by isoleucine, an amino acid with highly similar properties. This amino acid position is conserved. In addition, this alteration is predicted to be deleterious by in silico analysis. Based on the available evidence, the clinical significance of this variant remains unclear.

Labcorp Genetics (formerly Invitae), Labcorp
Classification: Benign for Tuberous sclerosis 2. Last evaluated: 2024-05-06. Review status: criteria provided, single submitter. Criteria: Invitae Variant Classification Sherloc (09022015). Collection method: clinical testing. Allele origin: germline.

NM_000548.5(TSC2):c.504G>T (p.Met168Ile)

Gene: TSC2 (TSC complex subunit 2; plus strand). Cytogenetic location: 16p13.3.
Variant type: single nucleotide variant.
Coding change: c.504G>T on transcript NM_000548.5 (MANE Select); coding-DNA position 504, G replaced by T.
Protein change: p.Met168Ile; replaces methionine 168 with isoleucine.
Molecular consequence: missense variant. On other transcripts: intron variant (1).
Genome position (GRCh38, 1-based): chr16:2,055,424, G>T. VCF-style: chr16-2055424-G-T. GRCh37 (hg19) VCF-style: chr16-2105425-G-T.
Other names: c.504G>T, p.Met168Ile (NM_001077183.3, NM_001114382.3, NM_001363528.2 and 3 more transcripts); c.393G>T, p.Met131Ile (NM_001318827.2); c.357G>T, p.Met119Ile (NM_001318829.2); c.537G>T, p.Met179Ile (NM_001318832.2); c.-1-772G>T (NM_001318831.2); short protein forms M168I, M179I, M119I, M131I.
Identifiers: ClinVar variation 578409 (VCV000578409.12), dbSNP rs748692173, ClinGen allele CA053610.